The following is an entry in ClinVar:

NM_052945.4(TNFRSF13C):c.134C>T (p.Pro45Leu)

Genes: TNFRSF13C (TNF receptor superfamily member 13C; minus strand), LOC130067574 (ATAC-STARR-seq lymphoblastoid silent region 13813; plus strand). Cytogenetic location: 22q13.2.
Variant type: single nucleotide variant.
Coding change: c.134C>T on transcript NM_052945.4 (MANE Select); coding-DNA position 134, C replaced by T.
Protein change: p.Pro45Leu; replaces proline 45 with leucine.
Molecular consequence: missense variant.
Genome position (GRCh38, 1-based): chr22:41,926,640, G>A on the plus strand (C>T on the coding strand, the complement: TNFRSF13C is on the minus strand). VCF-style: chr22-41926640-G-A. GRCh37 (hg19) VCF-style: chr22-42322644-G-A.
Other names: short protein forms P45L.
Identifiers: ClinVar variation 1381789 (VCV001381789.8), dbSNP rs1028425566, ClinGen allele CA411763465.

ClinVar aggregate classification (germline): Uncertain significance (1 of 4 stars; one submission).

Conditions:
Immunodeficiency, common variable, 4. Also called: ANTIBODY DEFICIENCY DUE TO BAFFR DEFECT. Identifiers: Orphanet 1572, Orphanet 696925, MedGen C3150739, MONDO:0013284, OMIM 613494.

gnomAD v4.1: 2 of 1,459,116 alleles (0.00014%); highest among the groups gnomAD compares: Non-Finnish European, 0.00018%; no homozygotes.

Submission:

Labcorp Genetics (formerly Invitae), Labcorp
Classification: Uncertain significance for Immunodeficiency, common variable, 4. Last evaluated: 2022-07-19. Review status: criteria provided, single submitter. Criteria: Invitae Variant Classification Sherloc (09022015). Collection method: clinical testing. Allele origin: germline.
Comment: In summary, the available evidence is currently insufficient to determine the role of this variant in disease. Therefore, it has been classified as a Variant of Uncertain Significance. Algorithms developed to predict the effect of missense changes on protein structure and function output the following: SIFT: "Tolerated"; PolyPhen-2: "Benign"; Align-GVGD: "Class C0". The leucine amino acid residue is found in multiple mammalian species, which suggests that this missense change does not adversely affect protein function. ClinVar contains an entry for this variant (Variation ID: 1381789). This variant has not been reported in the literature in individuals affected with TNFRSF13C-related conditions. This variant is not present in population databases (gnomAD no frequency). This sequence change replaces proline, which is neutral and non-polar, with leucine, which is neutral and non-polar, at codon 45 of the TNFRSF13C protein (p.Pro45Leu).